The following is an entry in ClinVar:

NM_002637.4(PHKA1):c.537+1G>A

Gene: PHKA1 (phosphorylase kinase regulatory subunit alpha 1; minus strand). Cytogenetic location: Xq13.1.
Variant type: single nucleotide variant.
Coding change: c.537+1G>A on transcript NM_002637.4 (MANE Select); the canonical splice donor site of the intron after coding-DNA position 537, G replaced by A.
Molecular consequence: splice donor variant.
Genome position (GRCh38, 1-based): chrX:72,684,497, C>T on the plus strand (G>A on the coding strand, the complement: PHKA1 is on the minus strand). VCF-style: chrX-72684497-C-T. GRCh37 (hg19) VCF-style: chrX-71904347-C-T.
Other names: c.537+1G>A (NM_001172436.2, NM_001122670.2, NM_001431068.1).
Identifiers: ClinVar variation 3725225 (VCV003725225.4).
Genomic context (GRCh38, chrX:72,684,497, plus strand): 5'-CCCAGTATTTAGAAAACAAAAACATCATATGTCTAAAATCCATTCTAAAATCAGTACTTA[C>T]AGCAGTTTTATATGCAGCTTCAATGTAAAACACAAGGTTCTGTATGAAATTGACTTCATC-3'

ClinVar aggregate classification (germline): Likely pathogenic. Review status: criteria provided, multiple submitters, no conflicts (2 of 4 stars). 2 submissions from 2 submitters: Likely pathogenic (2). Last evaluated 2025-06-24.

Conditions:
Glycogen storage disease IXd (GSD9D). Also called: Muscle Phosphorylase Kinase Deficiency; GSD IXd. Identifiers: Orphanet 715, MedGen C1845151, MONDO:0010362, OMIM 300559.

Submissions (2):

Labcorp Genetics (formerly Invitae), Labcorp
Classification: Likely pathogenic for Glycogen storage disease IXd. Last evaluated: 2025-06-24. Review status: criteria provided, single submitter. Criteria: Invitae Variant Classification Sherloc (09022015). Collection method: clinical testing. Allele origin: germline.
Comment: This sequence change affects a donor splice site in intron 5 of the PHKA1 gene. It is expected to disrupt RNA splicing. Variants that disrupt the donor or acceptor splice site typically lead to a loss of protein function (PMID: 16199547), and loss-of-function variants in PHKA1 are known to be pathogenic (PMID: 9731190, 15637709). This variant is not present in population databases (gnomAD no frequency). This variant has not been reported in the literature in individuals affected with PHKA1-related conditions. ClinVar contains an entry for this variant (Variation ID: 3725225). Algorithms developed to predict the effect of sequence changes on RNA splicing suggest that this variant may disrupt the consensus splice site. In summary, the currently available evidence indicates that the variant is pathogenic, but additional data are needed to prove that conclusively. Therefore, this variant has been classified as Likely Pathogenic.

Juno Genomics, Hangzhou Juno Genomics, Inc
Classification: Likely pathogenic for Glycogen storage disease IXd. Review status: criteria provided, single submitter. Criteria: ACMG Guidelines, 2015. Collection method: clinical testing. Allele origin: germline.
Comment: Absent from controls (or at extremely low frequency if recessive) in Genome Aggregation Database.;Null variant in a gene where loss of function (LOF) is a known mechanism of disease.

Literature cited by the submitters: PubMed 16199547 (cited by Labcorp Genetics (formerly Invitae), Labcorp); PubMed 9731190 (cited by Labcorp Genetics (formerly Invitae), Labcorp); PubMed 15637709 (cited by Labcorp Genetics (formerly Invitae), Labcorp).